The following is an entry in ClinVar:

NM_002184.4(IL6ST):c.1841-1360T>A

Gene: IL6ST (interleukin 6 cytokine family signal transducer; minus strand). Cytogenetic location: 5q11.2.
Variant type: single nucleotide variant.
Coding change: c.1841-1360T>A on transcript NM_002184.4 (MANE Select); 1360 bases into the intron before coding-DNA position 1841, T replaced by A.
Molecular consequence: intron variant. On other transcripts: non-coding transcript variant (1).
Genome position (GRCh38, 1-based): chr5:55,948,949, A>T on the plus strand (T>A on the coding strand, the complement: IL6ST is on the minus strand). VCF-style: chr5-55948949-A-T. GRCh37 (hg19) VCF-style: chr5-55244777-A-T.
Other names: c.1631-1360T>A (NM_001364276.2); c.845-1360T>A (NM_001364279.2); c.938-1360T>A (NM_001364278.2); c.974-1360T>A (NM_001364277.2); c.*768-1360T>A (NM_175767.3); c.1658-1360T>A (NM_001190981.2); c.1739-1360T>A (NM_001364275.2).
Identifiers: ClinVar variation 2688474 (VCV002688474.2), dbSNP rs7719246, ClinGen allele CA12026707.
Genomic context (GRCh38, chr5:55,948,949, plus strand): 5'-CTGATTTACTTATGCAAAATTTCTTCAACTAAGCTGTAAGGTCCTCGTTGGCAAGACTCA[A>T]GCCATGTGAAGAAGCCATAATGGATCCATGAGACTACAGATAGAGAATTGAAAAAAGGTA-3'

ClinVar aggregate classification (germline): Benign (1 of 4 stars; one submission).

Allele frequency attached by ClinVar (database versions not stated): 1000 Genomes Project 0.23403; 1000 Genomes Project 30x 0.24188; gnomAD 0.24216; TOPMed 0.25791; gnomAD exomes 0.50000.
gnomAD v4.1: 36,782 of 152,062 alleles (24%); highest among the groups gnomAD compares: African/African-American, 53%; 7,007 homozygotes.

Submission:

Unidad de Genómica Garrahan, Hospital de Pediatría Garrahan
Classification: Benign. Last evaluated: 2024-01-24. Review status: criteria provided, single submitter. Criteria: ACMG Guidelines, 2015. Collection method: clinical testing. Allele origin: germline. Affected: no. Observed: 23 variant alleles.
Comment: This variant is classified as Benign based on local population frequency. This variant was detected in 26% of patients studied by a panel of primary immunodeficiencies. Number of patients: 23. Only high quality variants are reported.